The following is an entry in ClinVar:

ClinVar aggregate classification (germline): Uncertain significance. Review status: criteria provided, multiple submitters, no conflicts (2 of 4 stars). 2 submissions from 2 submitters: Uncertain significance (2). Last evaluated 2021-03-15.

Conditions:
Cardiovascular phenotype. Identifiers: MedGen CN230736.

Submissions (2):

Ambry Genetics
Classification: Uncertain significance for Cardiovascular phenotype. Last evaluated: 2021-03-15. Review status: criteria provided, single submitter. Criteria: Ambry Variant Classification Scheme 2023. Collection method: clinical testing. Allele origin: germline.
Comment: The c.18315_18324del10insC variant (also known as p.G6106_K6108del), located in coding exon 73 of the TTN gene, results from an in-frame deletion of TGGTAAAAAG and insertion of C at nucleotide positions 18315 to 18324. This results in the deletion of glycine and two lysine residues at codons 6106 through 6108. This amino acid region is highly conserved in available vertebrate species. In addition, this alteration is predicted to be deleterious by in silico analysis (Choi Y et al. PLoS ONE. 2012; 7(10):e46688). Since supporting evidence is limited at this time, the clinical significance of this alteration remains unclear.

GeneDx
Classification: Uncertain significance. Last evaluated: 2017-03-16. Review status: criteria provided, single submitter. Criteria: GeneDx Variant Classification (06012015). Collection method: clinical testing. Allele origin: germline. Affected: yes.
Comment: A variant of uncertain significance has been identified in the TTN gene. The c.40587_40596del10insC variant has not been published as pathogenic or been reported as benign to our knowledge. This variant is not observed in large population cohorts (Lek et al., 2016; 1000 Genomes Consortium et al., 2015; Exome Variant Server). The c.40587_40596del10insC variant results in an in-frame deletion of three amino acid residues. Two of the deleted residues are conserved across species while the third occurs at a position where only amino acids with similar properties are tolerated across species. However, at least one in silico algorithm predicts this variant likely does not alter the protein structure/function. This variant is also not predicted to affect splicing. Furthermore, the c.40587_40596del10insC variant is located in the I-band region, and the clinical significance of variants in this region is not well characterized. Nevertheless, in the absence of functional studies, the physiological consequence of this variant cannot be precisely determined.

NM_001267550.2(TTN):c.45510_45519delinsC (p.Gly15171_Lys15173del)

Genes: TTN (titin; minus strand), LOC126806427 (BRD4-independent group 4 enhancer GRCh37_chr2:179485777-179486976; plus strand). Cytogenetic location: 2q31.2.
Variant type: Indel.
Coding change: c.45510_45519delinsC on transcript NM_001267550.2 (MANE Select); coding-DNA positions 45510 to 45519, TGGTAAAAAG replaced by C.
Protein change: p.Gly15171_Lys15173del.
Molecular consequence: inframe deletion.
Genome position (GRCh38, 1-based): chr2:178,621,199-178,621,208, CTTTTTACCA replaced by G on the plus strand (TGGTAAAAAG replaced by C on the coding strand, the reverse complement: TTN is on the minus strand). VCF-style: chr2-178621199-CTTTTTACCA-G. GRCh37 (hg19) VCF-style: chr2-179485926-CTTTTTACCA-G.
Other names: c.40587_40596delinsC, p.Gly13530_Lys13532del (NM_001256850.1); c.18315_18324delinsC, p.Gly6106_Lys6108del (NM_003319.4); c.37806_37815delinsC, p.Gly12603_Lys12605del (NM_133378.4); c.18690_18699delinsC, p.Gly6231_Lys6233del (NM_133432.3); c.18891_18900delinsC, p.Gly6298_Lys6300del (NM_133437.4); c.40587_40596delTGGTAAAAAGinsC (NM_001256850.1); c.18315_18324del10insC (NM_003319.4).
Identifiers: ClinVar variation 426967 (VCV000426967.3), dbSNP rs1553717747, ClinGen allele CA645293939.